The following is an entry in ClinVar:

ClinVar aggregate classification (germline): Uncertain significance. Review status: criteria provided, multiple submitters, no conflicts (2 of 4 stars). 2 submissions from 2 submitters: Uncertain significance (2). Last evaluated 2025-12-10.

Allele frequency attached by ClinVar (database versions not stated): gnomAD 0.00001; gnomAD exomes 0.00001; TOPMed 0.00003.
gnomAD v4.1: 8 of 1,612,718 alleles (0.0005%); highest among the groups gnomAD compares: Admixed American, 0.013%; no homozygotes.

Submissions (2):

Labcorp Genetics (formerly Invitae), Labcorp
Classification: Uncertain significance. Last evaluated: 2025-12-10. Review status: criteria provided, single submitter. Criteria: Invitae Variant Classification Sherloc (09022015). Collection method: clinical testing. Allele origin: germline.
Comment: This sequence change replaces leucine, which is neutral and non-polar, with phenylalanine, which is neutral and non-polar, at codon 58 of the BMP2 protein (p.Leu58Phe). This variant is present in population databases (rs773801167, gnomAD 0.02%). This missense change has been observed in individual(s) with BMP2-related conditions (internal data). ClinVar contains an entry for this variant (Variation ID: 1396590). An algorithm developed to predict the effect of missense changes on protein structure and function (PolyPhen-2) suggests that this variant is likely to be disruptive. In summary, the available evidence is currently insufficient to determine the role of this variant in disease. Therefore, it has been classified as a Variant of Uncertain Significance.

AiLife Diagnostics
Classification: Uncertain significance. Last evaluated: 2021-09-30. Review status: criteria provided, single submitter. Criteria: ACMG Guidelines, 2015. Collection method: clinical testing. Allele origin: germline. Affected: yes. Observed: 1 variant allele.

NM_001200.4(BMP2):c.172C>T (p.Leu58Phe)

Gene: BMP2 (bone morphogenetic protein 2; plus strand). Cytogenetic location: 20p12.3.
Variant type: single nucleotide variant.
Coding change: c.172C>T on transcript NM_001200.4 (MANE Select); coding-DNA position 172, C replaced by T.
Protein change: p.Leu58Phe; replaces leucine 58 with phenylalanine.
Molecular consequence: missense variant.
Genome position (GRCh38, 1-based): chr20:6,770,298, C>T. VCF-style: chr20-6770298-C-T. GRCh37 (hg19) VCF-style: chr20-6750945-C-T.
Other names: short protein forms L58F.
Identifiers: ClinVar variation 1396590 (VCV001396590.6), dbSNP rs773801167, ClinGen allele CA9758611.
Genomic context (GRCh38, chr20:6,770,298, plus strand): 5'-TCGGGCCGCCCCTCATCCCAGCCCTCTGACGAGGTCCTGAGCGAGTTCGAGTTGCGGCTG[C>T]TCAGCATGTTCGGCCTGAAACAGAGACCCACCCCCAGCAGGGACGCCGTGGTGCCCCCCT-3'
Protein context (NP_001191.1, residues 48-68): EVLSEFELRL[Leu58Phe]SMFGLKQRPT